The following is an entry in ClinVar:

ClinVar aggregate classification (germline): Uncertain significance (1 of 4 stars; one submission).

Conditions:
Hereditary cancer-predisposing syndrome. Also called: Tumor predisposition; Hereditary neoplastic syndrome; Hereditary Cancer Syndrome; Neoplastic Syndromes, Hereditary. Identifiers: Orphanet 140162, MedGen C0027672, MeSH D009386, MONDO:0015356.

Submission:

Ambry Genetics
Classification: Uncertain significance for Hereditary cancer-predisposing syndrome. Last evaluated: 2025-04-16. Review status: criteria provided, single submitter. Criteria: Ambry Variant Classification Scheme 2023. Collection method: clinical testing. Allele origin: germline.
Comment: The c.2953+4C>G intronic variant results from a C to G substitution 4 nucleotides after coding exon 22 in the POLD1 gene. This nucleotide position is poorly conserved in available vertebrate species. In silico splice site analysis predicts that this alteration may weaken the native splice donor site. Based on the available evidence, the clinical significance of this variant remains unclear.

NM_002691.4(POLD1):c.2953+4C>G

Gene: POLD1 (DNA polymerase delta 1, catalytic subunit; plus strand). Cytogenetic location: 19q13.33.
Variant type: single nucleotide variant.
Coding change: c.2953+4C>G on transcript NM_002691.4 (MANE Select); 4 bases into the intron after coding-DNA position 2953, C replaced by G.
Molecular consequence: intron variant.
Genome position (GRCh38, 1-based): chr19:50,416,532, C>G. VCF-style: chr19-50416532-C-G. GRCh37 (hg19) VCF-style: chr19-50919789-C-G.
Other names: c.2953+4C>G (NM_001256849.1); c.3031+4C>G (NM_001308632.1).
Identifiers: ClinVar variation 3935549 (VCV003935549.1).